The following is an entry in ClinVar:

NM_000091.5(COL4A3):c.4699dup (p.Ile1567fs)

Genes: MFF-DT (MFF divergent transcript; minus strand), COL4A3 (collagen type IV alpha 3 chain; plus strand). Cytogenetic location: 2q36.3.
Variant type: Duplication.
Coding change: c.4699dup on transcript NM_000091.5 (MANE Select); coding-DNA position 4699, one base duplicated (A; older notation c.4699dupA).
Protein change: p.Ile1567fs; shifts the reading frame from isoleucine 1567.
Molecular consequence: frameshift variant.
Genome position (GRCh38, 1-based): chr2:227,309,262, A duplicated. VCF-style (leftmost placement, unchanged base first): chr2-227309261-C-CA. GRCh37 (hg19) VCF-style: chr2-228173977-C-CA.
Other names: short protein forms I1567fs.
Identifiers: ClinVar variation 4817267 (VCV004817267.1).

ClinVar aggregate classification (germline): Likely pathogenic (1 of 4 stars; one submission).

Conditions:
Alport syndrome. Also called: Hemorrhagic familial nephritis; Hemorrhagic hereditary nephritis; Congenital hereditary hematuria. Identifiers: Orphanet 63, MedGen C1567741, MONDO:0018965.

Submission:

Natera, Inc.
Classification: Likely pathogenic for Alport syndrome. Last evaluated: 2025-09-16. Review status: criteria provided, single submitter. Criteria: Natera Variant Classification Schema (03/2026). Collection method: clinical testing. Allele origin: germline.
Comment: The c.4699dup variant in COL4A3 is a frameshift variant predicted to shift the reading frame beginning at codon 1567 and leads to a stop codon 26 codons downstream. This variant is expected to result in nonsense mediated decay, truncation, or a dysfunctional protein product. This variant is rare in the general population with a frequency below the threshold expected for the associated phenotype(s). Given the available evidence, this variant is classified as Likely Pathogenic.